The following is an entry in ClinVar:

NM_000836.4(GRIN2D):c.2166_2186dup (p.Ile722_Asp728dup)

Gene: GRIN2D (glutamate ionotropic receptor NMDA type subunit 2D; plus strand). Cytogenetic location: 19q13.33.
Variant type: Duplication.
Coding change: c.2166_2186dup on transcript NM_000836.4 (MANE Select); coding-DNA positions 2166 to 2186, 21 bases duplicated (CCGCAGCAACTATCCCGACAT).
Protein change: p.Ile722_Asp728dup.
Molecular consequence: inframe insertion.
Genome position (GRCh38, 1-based): chr19:48,421,859-48,421,879, CCGCAGCAACTATCCCGACAT duplicated; duplicating any 21 consecutive bases within chr19:48,421,855-48,421,879 gives the same sequence; the c. name uses the placement nearest the transcript's 3' end. VCF-style (leftmost placement, unchanged base first): chr19-48421854-A-AACATCCGCAGCAACTATCCCG. GRCh37 (hg19) VCF-style: chr19-48925111-A-AACATCCGCAGCAACTATCCCG.
Identifiers: ClinVar variation 1304817 (VCV001304817.2), dbSNP rs2147457808, ClinGen allele CA2573054798.

ClinVar aggregate classification (germline): Uncertain significance (1 of 4 stars; one submission).

Submission:

GeneDx
Classification: Uncertain significance. Last evaluated: 2019-07-29. Review status: criteria provided, single submitter. Criteria: GeneDx Variant Classification Process June 2021. Collection method: clinical testing. Allele origin: germline. Affected: yes.
Comment: Not observed in large population cohorts (Lek et al., 2016); In-frame insertion of 7 amino acids in a non-repeat region; Has not been previously published as pathogenic or benign to our knowledge